The following is an entry in ClinVar:

ClinVar aggregate classification (germline): Uncertain significance. Review status: criteria provided, multiple submitters, no conflicts (2 of 4 stars). 3 submissions from 3 submitters: Uncertain significance (3). Last evaluated 2022-10-25.

Conditions:
Encephalopathy, neonatal severe, with lactic acidosis and brain abnormalities (NELABA). Also called: LIPOYLTRANSFERASE 2 DEFICIENCY; Lipoyl transferase 2 deficiency. Identifiers: Orphanet 447795, MedGen C5681203, MONDO:0060562, OMIM 617668.

Allele frequency attached by ClinVar (database versions not stated): gnomAD 0.00005 and 0.00006; TOPMed 0.00009; gnomAD exomes 0.00034; 1000 Genomes Project 30x 0.00047.

Submissions (3):

Labcorp Genetics (formerly Invitae), Labcorp
Classification: Uncertain significance. Last evaluated: 2022-10-25. Review status: criteria provided, single submitter. Criteria: Invitae Variant Classification Sherloc (09022015). Collection method: clinical testing. Allele origin: germline.
Comment: This sequence change replaces valine, which is neutral and non-polar, with alanine, which is neutral and non-polar, at codon 56 of the LIPT2 protein (p.Val56Ala). This variant is present in population databases (no rsID available, gnomAD 0.2%). This variant has not been reported in the literature in individuals affected with LIPT2-related conditions. ClinVar contains an entry for this variant (Variation ID: 1031159). Algorithms developed to predict the effect of missense changes on protein structure and function are either unavailable or do not agree on the potential impact of this missense change (SIFT: "Not Available"; PolyPhen-2: "Possibly Damaging"; Align-GVGD: "Not Available"). In summary, the available evidence is currently insufficient to determine the role of this variant in disease. Therefore, it has been classified as a Variant of Uncertain Significance.

Ambry Genetics
Classification: Uncertain significance. Last evaluated: 2021-08-10. Review status: criteria provided, single submitter. Criteria: Ambry Variant Classification Scheme 2023. Collection method: clinical testing. Allele origin: germline.

Baylor Genetics
Classification: Uncertain significance for Encephalopathy, neonatal severe, with lactic acidosis and brain abnormalities. Last evaluated: 2020-08-20. Review status: criteria provided, single submitter. Criteria: ACMG Guidelines, 2015. Collection method: clinical testing. Allele origin: unknown. Affected: yes.
Comment: This variant was determined to be of uncertain significance according to ACMG Guidelines, 2015 [PMID:25741868].

NM_001144869.3(LIPT2):c.167T>C (p.Val56Ala)

Genes: LIPT2-AS1 (LIPT2 antisense RNA 1; plus strand), LIPT2 (lipoyl(octanoyl) transferase 2; minus strand), LOC130006411 (ATAC-STARR-seq lymphoblastoid silent region 3753; plus strand). Cytogenetic location: 11q13.4.
Variant type: single nucleotide variant.
Coding change: c.167T>C on transcript NM_001144869.3 (MANE Select); coding-DNA position 167, T replaced by C.
Protein change: p.Val56Ala; replaces valine 56 with alanine.
Molecular consequence: missense variant. On other transcripts: non-coding transcript variant (1).
Genome position (GRCh38, 1-based): chr11:74,493,537, A>G on the plus strand (T>C on the coding strand, the complement: LIPT2 is on the minus strand). VCF-style: chr11-74493537-A-G. GRCh37 (hg19) VCF-style: chr11-74204582-A-G.
Other names: c.167T>C, p.Val56Ala (NM_001329941.2, NM_001329942.2); short protein forms V56A.
Identifiers: ClinVar variation 1031159 (VCV001031159.5), dbSNP rs968581573, ClinGen allele CA224979323.